The following is an entry in ClinVar:

ClinVar aggregate classification (germline): Uncertain significance. Review status: criteria provided, multiple submitters, no conflicts (2 of 4 stars). 2 submissions from 2 submitters: Uncertain significance (2). Last evaluated 2022-10-17.

Conditions:
Dyskeratosis congenita. Identifiers: Orphanet 1775, MedGen C0265965, MONDO:0015780.

Allele frequency attached by ClinVar (database versions not stated): gnomAD exomes below 0.00001.
gnomAD v4.1: 2 of 1,614,188 alleles (0.00012%); highest among the groups gnomAD compares: Non-Finnish European, 0.00017%; no homozygotes.

Submissions (2):

Labcorp Genetics (formerly Invitae), Labcorp
Classification: Uncertain significance for Dyskeratosis congenita. Last evaluated: 2022-10-17. Review status: criteria provided, single submitter. Criteria: Invitae Variant Classification Sherloc (09022015). Collection method: clinical testing. Allele origin: germline.
Comment: This sequence change replaces phenylalanine, which is neutral and non-polar, with serine, which is neutral and polar, at codon 152 of the TINF2 protein (p.Phe152Ser). Algorithms developed to predict the effect of missense changes on protein structure and function (SIFT, PolyPhen-2, Align-GVGD) all suggest that this variant is likely to be disruptive. In summary, the available evidence is currently insufficient to determine the role of this variant in disease. Therefore, it has been classified as a Variant of Uncertain Significance. This variant is not present in population databases (gnomAD no frequency). This variant has not been reported in the literature in individuals affected with TINF2-related conditions.

Blueprint Genetics
Classification: Uncertain significance. Last evaluated: 2022-02-28. Review status: criteria provided, single submitter. Criteria: ACMG Guidelines, 2015. Collection method: clinical testing. Allele origin: germline.

NM_001099274.3(TINF2):c.455T>C (p.Phe152Ser)

Gene: TINF2 (TERF1 interacting nuclear factor 2; minus strand). Cytogenetic location: 14q12.
Variant type: single nucleotide variant.
Coding change: c.455T>C on transcript NM_001099274.3 (MANE Select); coding-DNA position 455, T replaced by C.
Protein change: p.Phe152Ser; replaces phenylalanine 152 with serine.
Molecular consequence: missense variant.
Genome position (GRCh38, 1-based): chr14:24,241,256, A>G on the plus strand (T>C on the coding strand, the complement: TINF2 is on the minus strand). VCF-style: chr14-24241256-A-G. GRCh37 (hg19) VCF-style: chr14-24710462-A-G.
Other names: c.350T>C, p.Phe117Ser (NM_001363668.2); c.455T>C, p.Phe152Ser (NM_012461.3); short protein forms F117S, F152S.
Identifiers: ClinVar variation 2037116 (VCV002037116.5), dbSNP rs2502461459, ClinGen allele CA389231744.
Genomic context (GRCh38, chr14:24,241,256, plus strand): 5'-AGCGAAACCTGCTGTGCCTGCGGTGTAGGCAGTGCTTTCTCCAGCTGACACAAGTACTCA[A>G]AAAGCAGCTTTTCCATGGCAGCCAGAAAGGGTTCCCCATACTCTTGTTCAAGTTCCTACA-3'
Protein context (NP_001092744.1, residues 142-162): PFLAAMEKLL[Phe152Ser]EYLCQLEKAL